The following is an entry in ClinVar:

NM_000046.5(ARSB):c.1142+671A>G

Gene: ARSB (arylsulfatase B; minus strand). Cytogenetic location: 5q14.1.
Variant type: single nucleotide variant.
Coding change: c.1142+671A>G on transcript NM_000046.5 (MANE Select); 671 bases into the intron after coding-DNA position 1142, A replaced by G.
Molecular consequence: intron variant.
Genome position (GRCh38, 1-based): chr5:78,884,913, T>C on the plus strand (A>G on the coding strand, the complement: ARSB is on the minus strand). VCF-style: chr5-78884913-T-C. GRCh37 (hg19) VCF-style: chr5-78180736-T-C.
Other names: c.1142+671A>G (NM_198709.3).
Identifiers: ClinVar variation 2686032 (VCV002686032.1), dbSNP rs337836, ClinGen allele CA12142456.

ClinVar aggregate classification (germline): Likely benign (1 of 4 stars; one submission).

Conditions:
Mucopolysaccharidosis type 6 (MPS6). Also called: MPS 6; Maroteaux Lamy syndrome; MPS VI; N-ACETYLGALACTOSAMINE-4-SULFATASE DEFICIENCY; ARSB DEFICIENCY; ARYLSULFATASE B DEFICIENCY. Identifiers: Orphanet 583, MedGen C0026709, MONDO:0009661, OMIM 253200.

Allele frequency attached by ClinVar (database versions not stated): gnomAD exomes 0.02632; gnomAD 0.24093; TOPMed 0.24367; 1000 Genomes Project 30x 0.32854; 1000 Genomes Project 0.33007.
gnomAD v4.1: 36,528 of 152,128 alleles (24%); highest among the groups gnomAD compares: East Asian, 55%; 4,884 homozygotes.

Submission:

Laboratory of Inherited Metabolic Diseases, Research centre for medical genetics
Classification: Likely benign for Mucopolysaccharidosis type 6. Last evaluated: 2024-01-14. Review status: criteria provided, single submitter. Criteria: ACMG Guidelines, 2015. Collection method: research. Allele origin: germline. Affected: yes.
Comment: Minigene assay demonstrated insertion of 215 bp pseudoexon in about half of mRNA isoforms.

Literature cited by the submitters: PubMed 33209960; PubMed 34708937.